The following is an entry in ClinVar:

NM_138694.4(PKHD1):c.8120G>A (p.Gly2707Asp)

Gene: PKHD1 (PKHD1 ciliary IPT domain containing fibrocystin/polyductin; minus strand). Cytogenetic location: 6p12.2.
Variant type: single nucleotide variant.
Coding change: c.8120G>A on transcript NM_138694.4 (MANE Select); coding-DNA position 8120, G replaced by A.
Protein change: p.Gly2707Asp; replaces glycine 2707 with aspartic acid.
Molecular consequence: missense variant.
Genome position (GRCh38, 1-based): chr6:51,836,457, C>T on the plus strand (G>A on the coding strand, the complement: PKHD1 is on the minus strand). VCF-style: chr6-51836457-C-T. GRCh37 (hg19) VCF-style: chr6-51701255-C-T.
Other names: c.8120G>A, p.Gly2707Asp (NM_170724.3); c.8120G>A (NM_138694.3); short protein forms G2707D.
Identifiers: ClinVar variation 500183 (VCV000500183.17), dbSNP rs201254195, ClinGen allele CA3851730.

ClinVar aggregate classification (germline): Conflicting classifications of pathogenicity. Review status: criteria provided, conflicting classifications (1 of 4 stars). 6 submissions from 6 submitters: Uncertain significance (5); Likely benign (1). Last evaluated 2026-05-14.

Conditions:
PKHD1-related disorder. Also called: PKHD1-related condition.
Polycystic kidney disease 4 (PKD4). Also called: POLYCYSTIC KIDNEY AND HEPATIC DISEASE 1; POLYCYSTIC KIDNEY DISEASE, INFANTILE, TYPE I; PKD3; POLYCYSTIC KIDNEY DISEASE 4 WITH OR WITHOUT POLYCYSTIC LIVER DISEASE; Autosomal Recessive Polycystic Kidney Disease – PKHD1. Identifiers: MedGen C4540575, MONDO:0033004, OMIM 263200.
Inborn genetic diseases. Identifiers: MedGen C0950123, MeSH D030342.
Autosomal recessive polycystic kidney disease (ARPKD). Also called: AR polycystic kidney disease. Identifiers: Orphanet 731, Orphanet 8378, MedGen C0085548, MeSH D017044, MONDO:0009889.

Allele frequency attached by ClinVar (database versions not stated): ExAC 0.00007; ESP Exome Variant Server 0.00008; gnomAD exomes 0.00008; gnomAD 0.00011; TOPMed 0.00014.
gnomAD v4.1: 132 of 1,612,266 alleles (0.0082%); highest among the groups gnomAD compares: Non-Finnish European, 0.011%; no homozygotes.

Submissions (6):

PreventionGenetics, part of Exact Sciences
Classification: Uncertain significance for PKHD1-related condition. Last evaluated: 2026-05-14. Review status: criteria provided, single submitter. Criteria: ACMG Guidelines, 2015. Collection method: clinical testing. Allele origin: germline.
Comment: The PKHD1 c.8120G>A variant is predicted to result in the amino acid substitution p.Gly2707Asp. To our knowledge, this variant has not been reported in the literature. This variant is reported in 0.016% of alleles in individuals of European (Non-Finnish) descent in gnomAD. At this time, the clinical significance of this variant is uncertain due to the absence of conclusive functional and genetic evidence.

GeneDx
Classification: Uncertain significance. Last evaluated: 2026-01-23. Review status: criteria provided, single submitter. Criteria: GeneDx Variant Classification Process June 2021. Collection method: clinical testing. Allele origin: germline.
Comment: In silico analysis suggests that this missense variant does not alter protein structure/function; Has not been previously published as pathogenic or benign to our knowledge

Labcorp Genetics (formerly Invitae), Labcorp
Classification: Likely benign for Autosomal recessive polycystic kidney disease. Last evaluated: 2026-01-11. Review status: criteria provided, single submitter. Criteria: Invitae Variant Classification Sherloc (09022015). Collection method: clinical testing. Allele origin: germline.

Fulgent Genetics
Classification: Uncertain significance for Polycystic kidney disease 4. Last evaluated: 2024-05-22. Review status: criteria provided, single submitter. Criteria: ACMG Guidelines, 2015. Collection method: clinical testing. Allele origin: germline.

Ambry Genetics
Classification: Uncertain significance for Inborn genetic diseases. Last evaluated: 2022-06-21. Review status: criteria provided, single submitter. Criteria: Ambry Variant Classification Scheme 2023. Collection method: clinical testing. Allele origin: germline.

Eurofins Ntd Llc (ga)
Classification: Uncertain significance. Last evaluated: 2017-01-30. Review status: criteria provided, single submitter. Criteria: EGL Classification Definitions 2015. Collection method: clinical testing. Allele origin: germline. Observed: 1 variant allele, 1 heterozygote.